The following is an entry in ClinVar:

ClinVar aggregate classification (germline): Uncertain significance (1 of 4 stars; one submission).

gnomAD v4.1: 1 of 1,614,232 alleles (0.000062%); highest among the groups gnomAD compares: Non-Finnish European, 0.000085%; no homozygotes.

Submission:

GeneDx
Classification: Uncertain significance. Last evaluated: 2025-03-26. Review status: criteria provided, single submitter. Criteria: GeneDx Variant Classification Process June 2021. Collection method: clinical testing. Allele origin: germline. Affected: yes.
Comment: Not observed at significant frequency in large population cohorts (gnomAD); In silico analysis indicates that this missense variant does not alter protein structure/function; Has not been previously published as pathogenic or benign to our knowledge

NM_198880.3(QRICH1):c.1105A>G (p.Lys369Glu)

Gene: QRICH1 (glutamine rich 1; minus strand). Cytogenetic location: 3p21.31.
Variant type: single nucleotide variant.
Coding change: c.1105A>G on transcript NM_198880.3 (MANE Select); coding-DNA position 1105, A replaced by G.
Protein change: p.Lys369Glu; replaces lysine 369 with glutamic acid.
Molecular consequence: missense variant.
Genome position (GRCh38, 1-based): chr3:49,057,095, T>C on the plus strand (A>G on the coding strand, the complement: QRICH1 is on the minus strand). VCF-style: chr3-49057095-T-C. GRCh37 (hg19) VCF-style: chr3-49094528-T-C.
Other names: c.1105A>G, p.Lys369Glu (NM_001320580.2, NM_001320581.2, NM_001320582.2 and 4 more transcripts); short protein forms K369E.
Identifiers: ClinVar variation 4087838 (VCV004087838.1).
Genomic context (GRCh38, chr3:49,057,095, plus strand): 5'-TGAACTGTGCTGGAAAGAGAGAGTTTGCAAGGGTCTGCACTACCTCTTCATGGGAGTTTT[T>C]CACTACAGATGTGGTGCCCACCATCTTCTCCTTGTCATCCTCCAGCTTAACAGCTGCCAG-3'
Protein context (NP_942581.1, residues 359-379): EKMVGTTSVV[Lys369Glu]NSHEEVVQTL